The following is an entry in ClinVar:

ClinVar aggregate classification (germline): Uncertain significance. Review status: criteria provided, multiple submitters, no conflicts (2 of 4 stars). 2 submissions from 2 submitters: Uncertain significance (2). Last evaluated 2023-08-15.

Conditions:
Neurodevelopmental disorder with or without early-onset generalized epilepsy. Identifiers: MedGen C5436914, MONDO:0030930, OMIM 619157.

gnomAD v4.1: 2 of 1,612,876 alleles (0.00012%); highest among the groups gnomAD compares: African/African-American, 0.0027%; no homozygotes.

Submissions (2):

Greenwood Genetic Center Diagnostic Laboratories, Greenwood Genetic Center
Classification: Uncertain significance. Last evaluated: 2023-08-15. Review status: criteria provided, single submitter. Criteria: ACMG Guidelines, 2015. Collection method: clinical testing. Allele origin: germline. Affected: yes.
Comment: PM2

New York Genome Center
Classification: Uncertain significance for Neurodevelopmental disorder with or without early-onset generalized epilepsy. Last evaluated: 2021-07-29. Review status: criteria provided, single submitter. Criteria: NYGC Assertion Criteria 2020. Collection method: clinical testing. Allele origin: germline. Observed: 1 heterozygote. Study: CSER-NYCKidSeq.
Comment: The heterozygous c.7494C>G, p.Ile2498Met missense variant has not been reported in individuals affected with NBEA-related disorders.The variant has one heterozygous allele in the gnomAD v3.1.1 database, indicating it is an extremely rare allele in the populations represented in this database. The variant resides at BEACH (Beige and Chediak-Higashi) domains of the NBEA protein. In silico algorithms predict a conflicting interpretation of pathogenicity. Given the lack of compelling evidence for its pathogenicity, the missense variant 7494C>G, p.Ile2498Met identified in the NBEA gene is reported as a Variant ofUncertain Significance.

NM_001385012.1(NBEA):c.7494C>G (p.Ile2498Met)

Gene: NBEA (neurobeachin; plus strand). Cytogenetic location: 13q13.3.
Variant type: single nucleotide variant.
Coding change: c.7494C>G on transcript NM_001385012.1 (MANE Select); coding-DNA position 7494, C replaced by G.
Protein change: p.Ile2498Met; replaces isoleucine 2498 with methionine.
Molecular consequence: missense variant.
Genome position (GRCh38, 1-based): chr13:35,628,125, C>G. VCF-style: chr13-35628125-C-G. GRCh37 (hg19) VCF-style: chr13-36202262-C-G.
Other names: c.873C>G, p.Ile291Met (NM_001204197.3); c.7485C>G, p.Ile2495Met (NM_001379245.1); c.7494C>G, p.Ile2498Met (NM_015678.5); short protein forms I2495M, I2498M, I291M.
Identifiers: ClinVar variation 1696535 (VCV001696535.2), dbSNP rs745924046, ClinGen allele CA248401104.